The following is an entry in ClinVar:

ClinVar aggregate classification (germline): Uncertain significance. Review status: criteria provided, multiple submitters, no conflicts (2 of 4 stars). 4 submissions from 4 submitters: Uncertain significance (4). Last evaluated 2025-09-24.

Conditions:
Inborn genetic diseases. Identifiers: MedGen C0950123, MeSH D030342.

Allele frequency attached by ClinVar (database versions not stated): ExAC 0.00002; gnomAD 0.00003; TOPMed 0.00004; gnomAD exomes 0.00007.
gnomAD v4.1: 105 of 1,613,864 alleles (0.0065%); highest among the groups gnomAD compares: Non-Finnish European, 0.0083%; no homozygotes.

Submissions (4):

Women's Health and Genetics/Laboratory Corporation of America, LabCorp
Classification: Uncertain significance. Last evaluated: 2025-09-24. Review status: criteria provided, single submitter. Criteria: LabCorp Variant Classification Summary - May 2015. Collection method: clinical testing. Allele origin: germline.
Comment: Variant summary: SYT2 c.7A>G (p.Asn3Asp) results in a conservative amino acid change in the encoded protein sequence. Algorithms developed to predict the effect of missense changes on protein structure and function are either unavailable or do not agree on the potential impact of this missense change. The variant allele was found at a frequency of 2.8e-05 in 251172 control chromosomes. The available data on variant occurrences in the general population are insufficient to allow any conclusion about variant significance. To our knowledge, no occurrence of c.7A>G in individuals affected with SYT2-related conditions and no experimental evidence demonstrating its impact on protein function have been reported. ClinVar contains an entry for this variant (Variation ID: 2405101). Based on the evidence outlined above, the variant was classified as uncertain significance.

Labcorp Genetics (formerly Invitae), Labcorp
Classification: Uncertain significance. Last evaluated: 2025-01-11. Review status: criteria provided, single submitter. Criteria: Invitae Variant Classification Sherloc (09022015). Collection method: clinical testing. Allele origin: germline.
Comment: This sequence change replaces asparagine, which is neutral and polar, with aspartic acid, which is acidic and polar, at codon 3 of the SYT2 protein (p.Asn3Asp). This variant is present in population databases (rs202181629, gnomAD 0.006%). This variant has not been reported in the literature in individuals affected with SYT2-related conditions. ClinVar contains an entry for this variant (Variation ID: 2405101). Experimental studies and prediction algorithms are not available or were not evaluated, and the functional significance of this variant is currently unknown. In summary, the available evidence is currently insufficient to determine the role of this variant in disease. Therefore, it has been classified as a Variant of Uncertain Significance.

Mayo Clinic Laboratories, Mayo Clinic
Classification: Uncertain significance. Last evaluated: 2023-10-18. Review status: criteria provided, single submitter. Criteria: ACMG Guidelines, 2015. Collection method: clinical testing. Allele origin: germline. Observed: 1 variant allele.
Comment: BP4

Ambry Genetics
Classification: Uncertain significance for Inborn genetic diseases. Last evaluated: 2022-12-19. Review status: criteria provided, single submitter. Criteria: Ambry Variant Classification Scheme 2023. Collection method: clinical testing. Allele origin: germline.

NM_177402.5(SYT2):c.7A>G (p.Asn3Asp)

Gene: SYT2 (synaptotagmin 2; minus strand). Cytogenetic location: 1q32.1.
Variant type: single nucleotide variant.
Coding change: c.7A>G on transcript NM_177402.5 (MANE Select); coding-DNA position 7, A replaced by G.
Protein change: p.Asn3Asp; replaces asparagine 3 with aspartic acid.
Molecular consequence: missense variant.
Genome position (GRCh38, 1-based): chr1:202,605,766, T>C on the plus strand (A>G on the coding strand, the complement: SYT2 is on the minus strand). VCF-style: chr1-202605766-T-C. GRCh37 (hg19) VCF-style: chr1-202574894-T-C.
Other names: p.Asn3Asp; c.7A>G, p.Asn3Asp (NM_001136504.1); short protein forms N3D.
Identifiers: ClinVar variation 2405101 (VCV002405101.7), dbSNP rs202181629, ClinGen allele CA1333888.